The following is an entry in ClinVar:

NM_080424.4(SP110):c.1225A>G (p.Met409Val)

Gene: SP110 (SP110 nuclear body protein; minus strand). Cytogenetic location: 2q37.1.
Variant type: single nucleotide variant.
Coding change: c.1225A>G on transcript NM_080424.4 (MANE Select); coding-DNA position 1225, A replaced by G.
Protein change: p.Met409Val; replaces methionine 409 with valine.
Molecular consequence: missense variant.
Genome position (GRCh38, 1-based): chr2:230,186,048, T>C on the plus strand (A>G on the coding strand, the complement: SP110 is on the minus strand). VCF-style: chr2-230186048-T-C. GRCh37 (hg19) VCF-style: chr2-231050764-T-C.
Other names: c.1243A>G, p.Met415Val (NM_001185015.2, NM_001378442.1, NM_001378444.1 and 2 more transcripts); c.1225A>G, p.Met409Val (NM_001378443.1, NM_004509.5, NM_004510.4); c.1075A>G, p.Met359Val (NM_001378447.1); short protein forms M359V, M409V, M415V.
Identifiers: ClinVar variation 837109 (VCV000837109.10), dbSNP rs150627628, ClinGen allele CA2154589.
Genomic context (GRCh38, chr2:230,186,048, plus strand): 5'-CCTTACCTTTCAATCTGGACTTTCGGGCACATTTAGTTCTTGCCTTTTGGACCCTCATCA[T>C]GACCTCTGAGTTCCAGGTTGAGTCGTCTTTCCTTTGAGTCACCTTATCCACCACTTGGAG-3'
Protein context (NP_536349.3, residues 399-419): KDDSTWNSEV[Met409Val]MRVQKARTKC

ClinVar aggregate classification (germline): Uncertain significance. Review status: criteria provided, multiple submitters, no conflicts (2 of 4 stars). 3 submissions from 3 submitters: Uncertain significance (3). Last evaluated 2025-04-25.

Conditions:
Hepatic veno-occlusive disease-immunodeficiency syndrome. Also called: Hepatic Veno-Occlusive Disease with Immunodeficiency. Identifiers: Orphanet 79124, MedGen C1856128, MONDO:0009338, OMIM 235550. Disease mechanism: loss of function.
Inborn genetic diseases. Identifiers: MedGen C0950123, MeSH D030342.

Allele frequency attached by ClinVar (database versions not stated): TOPMed 0.00012.

Submissions (3):

Ambry Genetics
Classification: Uncertain significance for Inborn genetic diseases. Last evaluated: 2025-04-25. Review status: criteria provided, single submitter. Criteria: Ambry Variant Classification Scheme 2023. Collection method: clinical testing. Allele origin: germline.

Labcorp Genetics (formerly Invitae), Labcorp
Classification: Uncertain significance for Hepatic veno-occlusive disease-immunodeficiency syndrome. Last evaluated: 2024-12-16. Review status: criteria provided, single submitter. Criteria: Invitae Variant Classification Sherloc (09022015). Collection method: clinical testing. Allele origin: germline.
Comment: This sequence change replaces methionine, which is neutral and non-polar, with valine, which is neutral and non-polar, at codon 409 of the SP110 protein (p.Met409Val). This variant is present in population databases (rs150627628, gnomAD 0.06%). This variant has not been reported in the literature in individuals affected with SP110-related conditions. ClinVar contains an entry for this variant (Variation ID: 837109). An algorithm developed to predict the effect of missense changes on protein structure and function outputs the following: PolyPhen-2: "Benign". The valine amino acid residue is found in multiple mammalian species, which suggests that this missense change does not adversely affect protein function. In summary, the available evidence is currently insufficient to determine the role of this variant in disease. Therefore, it has been classified as a Variant of Uncertain Significance.

Blueprint Genetics
Classification: Uncertain significance. Last evaluated: 2020-09-22. Review status: criteria provided, single submitter. Criteria: ACMG Guidelines, 2015. Collection method: clinical testing. Allele origin: germline.